The following is an entry in ClinVar:

ClinVar aggregate classification (germline): Uncertain significance. Review status: criteria provided, multiple submitters, no conflicts (2 of 4 stars). 2 submissions from 2 submitters: Uncertain significance (2). Last evaluated 2023-03-28.

Conditions:
Autosomal dominant deafness - onychodystrophy syndrome. Also called: Deafness, congenital, with onychodystrophy, autosomal dominant; DDOD SYNDROME. Identifiers: Orphanet 3231, Orphanet 79499, MedGen C2675730, MONDO:0007420, OMIM 124480.
Zimmermann-Laband syndrome 2 (ZLS2). Identifiers: Orphanet 3473, MedGen C4225321, MONDO:0014646, OMIM 616455.

Submissions (2):

GeneDx
Classification: Uncertain significance. Last evaluated: 2023-03-28. Review status: criteria provided, single submitter. Criteria: GeneDx Variant Classification Process June 2021. Collection method: clinical testing. Allele origin: germline. Affected: yes.
Comment: Not observed at significant frequency in large population cohorts (gnomAD); In silico analysis supports that this missense variant has a deleterious effect on protein structure/function; Has not been previously published as pathogenic or benign to our knowledge

Juno Genomics, Hangzhou Juno Genomics, Inc
Classification: Uncertain significance for Zimmermann-Laband syndrome 2; Autosomal dominant deafness - onychodystrophy syndrome. Review status: criteria provided, single submitter. Criteria: ACMG Guidelines, 2015. Collection method: clinical testing. Allele origin: germline.
Comment: Absent from controls (or at extremely low frequency if recessive) in Genome Aggregation Database.;Multiple lines of computational evidence support a deleterious effect on the gene or gene product.

NM_001693.4(ATP6V1B2):c.676A>C (p.Asn226His)

Gene: ATP6V1B2 (ATPase H+ transporting V1 subunit B2; plus strand). Cytogenetic location: 8p21.3.
Variant type: single nucleotide variant.
Coding change: c.676A>C on transcript NM_001693.4 (MANE Select); coding-DNA position 676, A replaced by C.
Protein change: p.Asn226His; replaces asparagine 226 with histidine.
Molecular consequence: missense variant.
Genome position (GRCh38, 1-based): chr8:20,211,724, A>C. VCF-style: chr8-20211724-A-C. GRCh37 (hg19) VCF-style: chr8-20069235-A-C.
Other names: short protein forms N226H.
Identifiers: ClinVar variation 2582059 (VCV002582059.3), dbSNP rs2486462959, ClinGen allele CA370472109.
Genomic context (GRCh38, chr8:20,211,724, plus strand): 5'-ATCTGTCGCCAGGCTGGTTTGGTAAAGAAATCCAAAGATGTAGTAGACTACAGTGAGGAA[A>C]ATTTTGCAATTGTATTTGCTGCTATGGGTGTAAGTAGAATTTTTGTTTTAGTATGATATG-3'
Protein context (NP_001684.2, residues 216-236): SKDVVDYSEE[Asn226His]FAIVFAAMGV